The following is an entry in ClinVar:

NM_000092.5(COL4A4):c.661C>T (p.Pro221Ser)

Gene: COL4A4 (collagen type IV alpha 4 chain; minus strand). Cytogenetic location: 2q36.3.
Variant type: single nucleotide variant.
Coding change: c.661C>T on transcript NM_000092.5 (MANE Select); coding-DNA position 661, C replaced by T.
Protein change: p.Pro221Ser; replaces proline 221 with serine.
Molecular consequence: missense variant.
Genome position (GRCh38, 1-based): chr2:227,108,865, G>A on the plus strand (C>T on the coding strand, the complement: COL4A4 is on the minus strand). VCF-style: chr2-227108865-G-A. GRCh37 (hg19) VCF-style: chr2-227973581-G-A.
Other names: short protein forms P221S.
Identifiers: ClinVar variation 898813 (VCV000898813.6), dbSNP rs1261138757, ClinGen allele CA350859605.

ClinVar aggregate classification (germline): Uncertain significance. Review status: criteria provided, multiple submitters, no conflicts (2 of 4 stars). 2 submissions from 2 submitters: Uncertain significance (2). Last evaluated 2025-01-21.

Conditions:
Alport syndrome. Also called: Hemorrhagic familial nephritis; Hemorrhagic hereditary nephritis; Congenital hereditary hematuria. Identifiers: Orphanet 63, MedGen C1567741, MONDO:0018965.

Allele frequency attached by ClinVar (database versions not stated): gnomAD 0.00001; TOPMed 0.00001.
gnomAD v4.1: 2 of 1,611,576 alleles (0.00012%); highest among the groups gnomAD compares: East Asian, 0.0045%; no homozygotes.

Submissions (2):

Labcorp Genetics (formerly Invitae), Labcorp
Classification: Uncertain significance. Last evaluated: 2025-01-21. Review status: criteria provided, single submitter. Criteria: Invitae Variant Classification Sherloc (09022015). Collection method: clinical testing. Allele origin: germline.
Comment: This sequence change replaces proline, which is neutral and non-polar, with serine, which is neutral and polar, at codon 221 of the COL4A4 protein (p.Pro221Ser). This variant is not present in population databases (gnomAD no frequency). This variant has not been reported in the literature in individuals affected with COL4A4-related conditions. ClinVar contains an entry for this variant (Variation ID: 898813). Invitae Evidence Modeling of protein sequence and biophysical properties (such as structural, functional, and spatial information, amino acid conservation, physicochemical variation, residue mobility, and thermodynamic stability) indicates that this missense variant is not expected to disrupt COL4A4 protein function with a negative predictive value of 95%. In summary, the available evidence is currently insufficient to determine the role of this variant in disease. Therefore, it has been classified as a Variant of Uncertain Significance.

Illumina Laboratory Services, Illumina
Classification: Uncertain significance for Alport syndrome. Last evaluated: 2018-01-12. Review status: criteria provided, single submitter. Criteria: ICSL Variant Classification Criteria 13 December 2019. Collection method: clinical testing. Allele origin: germline.